The following is an entry in ClinVar:

ClinVar aggregate classification (germline): Uncertain significance (1 of 4 stars; one submission).

Submission:

Women's Health and Genetics/Laboratory Corporation of America, LabCorp
Classification: Uncertain significance. Last evaluated: 2024-12-03. Review status: criteria provided, single submitter. Criteria: LabCorp Variant Classification Summary - May 2015. Collection method: clinical testing. Allele origin: germline.
Comment: Variant summary: MAP1A c.4330G>T (p.Glu1444X) results in a premature termination codon, predicted to cause a truncation of the encoded protein or absence of the protein due to nonsense mediated decay, however current evidence is not sufficient to establish loss of function as a mechanism for disease. The variant was absent in 248360 control chromosomes. The available data on variant occurrences in the general population are insufficient to allow any conclusion about variant significance. To our knowledge, no occurrence of c.4330G>T in individuals affected with MAP1A-Related Disorders and no experimental evidence demonstrating its impact on protein function have been reported. No submitters have cited clinical-significance assessments for this variant to ClinVar. Based on the evidence outlined above, the variant was classified as uncertain significance.

NM_002373.6(MAP1A):c.4330G>T (p.Glu1444Ter)

Gene: MAP1A (microtubule associated protein 1A; plus strand). Cytogenetic location: 15q15.3.
Variant type: single nucleotide variant.
Coding change: c.4330G>T on transcript NM_002373.6 (MANE Select); coding-DNA position 4330, G replaced by T.
Protein change: p.Glu1444Ter; replaces glutamic acid 1444 with a stop codon.
Molecular consequence: nonsense.
Genome position (GRCh38, 1-based): chr15:43,525,803, G>T. VCF-style: chr15-43525803-G-T. GRCh37 (hg19) VCF-style: chr15-43818001-G-T.
Other names: c.5044G>T, p.Glu1682Ter (NM_001411089.1); short protein forms E1444*, E1682*.
Identifiers: ClinVar variation 3768336 (VCV003768336.1).